The following is an entry in ClinVar:

ClinVar aggregate classification (germline): Uncertain significance (1 of 4 stars; one submission).

Conditions:
Familial thoracic aortic aneurysm and aortic dissection (TAAD). Also called: Thoracic aortic aneurysms and dissections. Identifiers: Orphanet 91387, MedGen C4707243, MONDO:0019625.

Submission:

Labcorp Genetics (formerly Invitae), Labcorp
Classification: Uncertain significance for Familial thoracic aortic aneurysm and aortic dissection. Last evaluated: 2021-10-10. Review status: criteria provided, single submitter. Criteria: Invitae Variant Classification Sherloc (09022015). Collection method: clinical testing. Allele origin: germline.
Comment: In summary, the available evidence is currently insufficient to determine the role of this variant in disease. Therefore, it has been classified as a Variant of Uncertain Significance. Advanced modeling of protein sequence and biophysical properties (such as structural, functional, and spatial information, amino acid conservation, physicochemical variation, residue mobility, and thermodynamic stability) performed at Invitae indicates that this missense variant is not expected to disrupt TGFBR1 protein function. This variant has not been reported in the literature in individuals affected with TGFBR1-related conditions. This variant is not present in population databases (ExAC no frequency). This sequence change replaces valine with leucine at codon 299 of the TGFBR1 protein (p.Val299Leu). The valine residue is highly conserved and there is a small physicochemical difference between valine and leucine.

NM_004612.4(TGFBR1):c.895G>T (p.Val299Leu)

Gene: TGFBR1 (transforming growth factor beta receptor 1; plus strand). Cytogenetic location: 9q22.33.
Variant type: single nucleotide variant.
Coding change: c.895G>T on transcript NM_004612.4 (MANE Select); coding-DNA position 895, G replaced by T.
Protein change: p.Val299Leu; replaces valine 299 with leucine.
Molecular consequence: missense variant.
Genome position (GRCh38, 1-based): chr9:99,142,625, G>T. VCF-style: chr9-99142625-G-T. GRCh37 (hg19) VCF-style: chr9-101904907-G-T.
Other names: c.664G>T, p.Val222Leu (NM_001130916.3); c.907G>T, p.Val303Leu (NM_001306210.2); short protein forms V222L, V303L, V299L.
Identifiers: ClinVar variation 1385794 (VCV001385794.6), dbSNP rs199822546, ClinGen allele CA374230680.